The following is an entry in ClinVar:

ClinVar aggregate classification (germline): Uncertain significance. Review status: criteria provided, multiple submitters, no conflicts (2 of 4 stars). 2 submissions from 2 submitters: Uncertain significance (2). Last evaluated 2024-03-29.

Allele frequency attached by ClinVar (database versions not stated): gnomAD 0.00006; TOPMed 0.00009; gnomAD exomes 0.00012; ExAC 0.00019; 1000 Genomes Project 0.00020; 1000 Genomes Project 30x 0.00031.
gnomAD v4.1: 186 of 1,613,930 alleles (0.012%); highest among the groups gnomAD compares: South Asian, 0.091%; no homozygotes.

Submissions (2):

Ambry Genetics
Classification: Uncertain significance. Last evaluated: 2024-03-29. Review status: criteria provided, single submitter. Criteria: Ambry Variant Classification Scheme 2023. Collection method: clinical testing. Allele origin: germline.

GeneDx
Classification: Uncertain significance. Last evaluated: 2022-06-14. Review status: criteria provided, single submitter. Criteria: GeneDx Variant Classification Process June 2021. Collection method: clinical testing. Allele origin: germline. Affected: yes.
Comment: In silico analysis supports that this missense variant does not alter protein structure/function; Has not been previously published as pathogenic or benign to our knowledge

NM_018130.3(SHQ1):c.1687C>T (p.Arg563Cys)

Gene: SHQ1 (SHQ1, H/ACA ribonucleoprotein assembly factor; minus strand). Cytogenetic location: 3p13.
Variant type: single nucleotide variant.
Coding change: c.1687C>T on transcript NM_018130.3 (MANE Select); coding-DNA position 1687, C replaced by T.
Protein change: p.Arg563Cys; replaces arginine 563 with cysteine.
Molecular consequence: missense variant.
Genome position (GRCh38, 1-based): chr3:72,750,331, G>A on the plus strand (C>T on the coding strand, the complement: SHQ1 is on the minus strand). VCF-style: chr3-72750331-G-A. GRCh37 (hg19) VCF-style: chr3-72799482-G-A.
Other names: short protein forms R563C.
Identifiers: ClinVar variation 1804512 (VCV001804512.2), dbSNP rs571050907, ClinGen allele CA2492274.
Genomic context (GRCh38, chr3:72,750,331, plus strand): 5'-AACCACCTAAGAGTCAATTATTTGGTGTCTGACAGCCGTCTCTCTCCTGAATATTGCTGC[G>A]GTTTACAGCAGTGGTGCCCTTGGGTTCAGAAACCTGAACTGTAGTCTTCAGTTGTTCCCC-3'
Protein context (NP_060600.2, residues 553-573): SEPKGTTAVN[Arg563Cys]SNIQERDGCQ